The following is an entry in ClinVar:

NM_032043.3(BRIP1):c.1045G>A (p.Ala349Thr)

Gene: BRIP1 (BRCA1 interacting DNA helicase 1; minus strand). Cytogenetic location: 17q23.2.
Variant type: single nucleotide variant.
Coding change: c.1045G>A on transcript NM_032043.3 (MANE Select); coding-DNA position 1045, G replaced by A.
Protein change: p.Ala349Thr; replaces alanine 349 with threonine.
Molecular consequence: missense variant.
Genome position (GRCh38, 1-based): chr17:61,801,348, C>T on the plus strand (G>A on the coding strand, the complement: BRIP1 is on the minus strand). VCF-style: chr17-61801348-C-T. GRCh37 (hg19) VCF-style: chr17-59878709-C-T.
Other names: short protein forms A349T.
Identifiers: ClinVar variation 383362 (VCV000383362.24), dbSNP rs149364097, ClinGen allele CA16607753.

ClinVar aggregate classification (germline): Uncertain significance. Review status: criteria provided, multiple submitters, no conflicts (2 of 4 stars). 8 submissions from 8 submitters: Uncertain significance (8). Last evaluated 2026-01-20.

Conditions:
Breast and/or ovarian cancer. Identifiers: MedGen CN221562.
Hereditary cancer-predisposing syndrome. Also called: Hereditary neoplastic syndrome; Tumor predisposition; Neoplastic Syndromes, Hereditary; Hereditary Cancer Syndrome. Identifiers: Orphanet 140162, MedGen C0027672, MeSH D009386, MONDO:0015356.
Familial cancer of breast. Also called: Hereditary breast cancer; BREAST CANCER, FAMILIAL; hereditary breast carcinoma. Identifiers: Orphanet 227535, MedGen C0346153, MONDO:0016419, OMIM 114480. Disease mechanism: loss of function.
Fanconi anemia complementation group J. Also called: BRIP1-Related Fanconi Anemia. Identifiers: Orphanet 84, MedGen C1836860, MONDO:0012187, OMIM 609054.

gnomAD v4.1: 3 of 1,613,928 alleles (0.00019%); highest among the groups gnomAD compares: Middle Eastern, 0.017%; no homozygotes.

Submissions (8):

Labcorp Genetics (formerly Invitae), Labcorp
Classification: Uncertain significance for Familial cancer of breast; Fanconi anemia complementation group J. Last evaluated: 2026-01-20. Review status: criteria provided, single submitter. Criteria: Invitae Variant Classification Sherloc (09022015). Collection method: clinical testing. Allele origin: germline.
Comment: This sequence change replaces alanine, which is neutral and non-polar, with threonine, which is neutral and polar, at codon 349 of the BRIP1 protein (p.Ala349Thr). This variant is present in population databases (no rsID available, gnomAD 0.007%). This variant has not been reported in the literature in individuals affected with BRIP1-related conditions. ClinVar contains an entry for this variant (Variation ID: 383362). Invitae Evidence Modeling of protein sequence and biophysical properties (such as structural, functional, and spatial information, amino acid conservation, physicochemical variation, residue mobility, and thermodynamic stability) has been performed for this missense variant. However, the output from this modeling did not meet the statistical confidence thresholds required to predict the impact of this variant on BRIP1 protein function. This variant disrupts the p.Ala349 amino acid residue in BRIP1. Other variant(s) that disrupt this residue have been determined to be pathogenic (PMID: 16116424, 16973432, 20639400, 24448499, 27107905). This suggests that this residue is clinically significant, and that variants that disrupt this residue are likely to be disease-causing. In summary, the available evidence is currently insufficient to determine the role of this variant in disease. Therefore, it has been classified as a Variant of Uncertain Significance.

KCCC/NGS Laboratory, Kuwait Cancer Control Center
Classification: Uncertain significance for Familial cancer of breast. Last evaluated: 2024-10-08. Review status: criteria provided, single submitter. Criteria: ACMG Guidelines, 2015. Collection method: clinical testing. Allele origin: germline. Inheritance: Autosomal dominant inheritance. Affected: yes. Observed: 1 heterozygote.
Comment: This sequence change replaces alanine, which is neutral and non-polar, with threonine, which is neutral and polar, at codon 349 of the BRIP1 protein (p.Ala349Thr). This amino acid position is well conserved. This variant is present in population databases (no rsID available, gnomAD 0.007%). This variant has not been reported in the literature in individuals affected with BRIP1-related conditions. ClinVar contains an entry for this variant (Variation ID: 383362). In silico analysis supports that this missense variant does not alter protein structure/function. This variant disrupts the p.Ala349 amino acid residue in BRIP1. Other variant(s) that disrupt this residue have been determined to be pathogenic (PMID: 16116424, 16973432, 20639400, 24448499, 27107905). This suggests that this residue is clinically significant, and that variants that disrupt this residue are likely to be disease-causing. In summary, the available evidence is currently insufficient to determine the role of this variant in disease. Therefore, it has been classified as a Variant of Uncertain Significance. Pathogenic/likely pathogenic variants cause familial susceptibility to breast cancer (OMIM 114480).

Ambry Genetics
Classification: Uncertain significance for Hereditary cancer-predisposing syndrome. Last evaluated: 2024-03-08. Review status: criteria provided, single submitter. Criteria: Ambry Variant Classification Scheme 2023. Collection method: clinical testing. Allele origin: germline.
Comment: The p.A349T variant (also known as c.1045G>A), located in coding exon 7 of the BRIP1 gene, results from a G to A substitution at nucleotide position 1045. The alanine at codon 349 is replaced by threonine, an amino acid with similar properties. This amino acid position is well conserved in available vertebrate species. In addition, this alteration is predicted to be tolerated by in silico analysis. Based on the available evidence, the clinical significance of this alteration remains unclear.

Baylor Genetics
Classification: Uncertain significance for Familial cancer of breast. Last evaluated: 2024-01-31. Review status: criteria provided, single submitter. Criteria: ACMG Guidelines, 2015. Collection method: clinical testing. Allele origin: unknown.

Neuberg Centre For Genomic Medicine, NCGM
Classification: Uncertain significance for Familial cancer of breast. Last evaluated: 2023-06-22. Review status: criteria provided, single submitter. Criteria: ACMG Guidelines, 2015. Collection method: clinical testing. Allele origin: germline. Inheritance: Autosomal dominant inheritance. Affected: yes.
Comment: The observed missense variant c.1045G>A(p.Ala349Thr) in the BRIP1 gene has not been reported previously as a pathogenic variant nor as a benign variant, to our knowledge. This variant is absent in the gnomAD Exomes. This variant has been reported to the ClinVar database as Uncertain Significance by multiple submitters. However, no details are available for independent assessment. The amino acid Ala at position 349 is changed to a Thr changing protein sequence and it might alter its composition and physico- chemical properties. Multiple lines of computational evidence (Polyphen - Probably damaging, SIFT - Damaging and MutationTaster - Disease causing) predict a damaging effect on protein structure and function for this variant. The residue is conserved by GERP++ and PhyloP across 100 vertebrates. For these reasons, this variant has been classified as Uncertain Significance.

CHEO Genetics Diagnostic Laboratory, Children's Hospital of Eastern Ontario
Classification: Uncertain significance for Breast and/or ovarian cancer. Last evaluated: 2023-01-12. Review status: criteria provided, single submitter. Criteria: ACMG Guidelines, 2015. Collection method: clinical testing. Allele origin: germline.

GeneDx
Classification: Uncertain significance. Last evaluated: 2022-07-18. Review status: criteria provided, single submitter. Criteria: GeneDx Variant Classification Process June 2021. Collection method: clinical testing. Allele origin: germline. Affected: yes.
Comment: Not observed at significant frequency in large population cohorts (gnomAD); In silico analysis supports that this missense variant does not alter protein structure/function; Has not been previously published as pathogenic or benign to our knowledge

Color Diagnostics, LLC DBA Color Health
Classification: Uncertain significance for Hereditary cancer-predisposing syndrome. Last evaluated: 2019-05-24. Review status: criteria provided, single submitter. Criteria: ACMG Guidelines, 2015. Collection method: clinical testing. Allele origin: germline.

Literature cited by the submitters: PubMed 16116424 (cited by Labcorp Genetics (formerly Invitae), Labcorp); PubMed 16973432 (cited by Labcorp Genetics (formerly Invitae), Labcorp); PubMed 20639400 (cited by Labcorp Genetics (formerly Invitae), Labcorp); PubMed 24448499 (cited by Labcorp Genetics (formerly Invitae), Labcorp); PubMed 27107905 (cited by Labcorp Genetics (formerly Invitae), Labcorp).